The following is an entry in ClinVar:

ClinVar aggregate classification (germline): Uncertain significance (1 of 4 stars; one submission).

Allele frequency attached by ClinVar (database versions not stated): gnomAD exomes below 0.00001 and 0.00001; ExAC 0.00001; TOPMed 0.00001.
gnomAD v4.1: 3 of 1,614,190 alleles (0.00019%); highest among the groups gnomAD compares: Admixed American, 0.0017%; no homozygotes.

Submission:

Labcorp Genetics (formerly Invitae), Labcorp
Classification: Uncertain significance. Last evaluated: 2022-02-03. Review status: criteria provided, single submitter. Criteria: Invitae Variant Classification Sherloc (09022015). Collection method: clinical testing. Allele origin: germline.
Comment: This sequence change replaces threonine, which is neutral and polar, with serine, which is neutral and polar, at codon 1267 of the ABCA4 protein (p.Thr1267Ser). This variant is present in population databases (rs763219678, gnomAD 0.003%). This variant has not been reported in the literature in individuals affected with ABCA4-related conditions. ClinVar contains an entry for this variant (Variation ID: 1025761). Advanced modeling of protein sequence and biophysical properties (such as structural, functional, and spatial information, amino acid conservation, physicochemical variation, residue mobility, and thermodynamic stability) performed at Invitae indicates that this missense variant is expected to disrupt ABCA4 protein function. Algorithms developed to predict the effect of sequence changes on RNA splicing suggest that this variant may create or strengthen a splice site. In summary, the available evidence is currently insufficient to determine the role of this variant in disease. Therefore, it has been classified as a Variant of Uncertain Significance.

NM_000350.3(ABCA4):c.3800C>G (p.Thr1267Ser)

Genes: ABCA4 (ATP binding cassette subfamily A member 4; minus strand), LOC126805794 (BRD4-independent group 4 enhancer GRCh37_chr1:94502188-94503387; plus strand). Cytogenetic location: 1p22.1.
Variant type: single nucleotide variant.
Coding change: c.3800C>G on transcript NM_000350.3 (MANE Select); coding-DNA position 3800, C replaced by G.
Protein change: p.Thr1267Ser; replaces threonine 1267 with serine.
Molecular consequence: missense variant.
Genome position (GRCh38, 1-based): chr1:94,037,158, G>C on the plus strand (C>G on the coding strand, the complement: ABCA4 is on the minus strand). VCF-style: chr1-94037158-G-C. GRCh37 (hg19) VCF-style: chr1-94502714-G-C.
Other names: c.3578C>G, p.Thr1193Ser (NM_001425324.1); short protein forms T1267S, T1193S.
Identifiers: ClinVar variation 1025761 (VCV001025761.8), dbSNP rs763219678, ClinGen allele CA957834.